The following is an entry in ClinVar:

ClinVar aggregate classification (germline): Likely benign. Review status: criteria provided, multiple submitters, no conflicts (2 of 4 stars). 8 submissions from 7 submitters: Likely benign (7). 1 of the submissions does not count toward it. Last evaluated 2026-01-20.

Conditions:
Amyotrophic lateral sclerosis type 4 (ALS4). Also called: AMYOTROPHIC LATERAL SCLEROSIS 4, JUVENILE; NEURONOPATHY, DISTAL HEREDITARY MOTOR, WITH PYRAMIDAL FEATURES. Identifiers: Orphanet 357043, MedGen C1865409, MONDO:0011223, OMIM 602433.
Spinocerebellar ataxia, autosomal recessive, with axonal neuropathy 2 (SCAN2). Also called: Ataxia-ocular apraxia-2; Ataxia with Oculomotor Apraxia; Ataxia with Oculomotor Apraxia Type 2; ATAXIA-OCULOMOTOR APRAXIA 2. Identifiers: Orphanet 64753, MedGen C1853761, MONDO:0018996, OMIM 606002.
SETX-related disorder. Also called: SETX-related condition; SETX-related disorders. Identifiers: MedGen CN239403.
Inborn genetic diseases. Identifiers: MedGen C0950123, MeSH D030342.

Allele frequency attached by ClinVar (database versions not stated): gnomAD 0.00004; TOPMed 0.00009.
gnomAD v4.1: 93 of 1,614,150 alleles (0.0058%); highest among the groups gnomAD compares: Middle Eastern, 0.017%; no homozygotes.

Submissions (8):

Labcorp Genetics (formerly Invitae), Labcorp
Classification: Likely benign for Amyotrophic lateral sclerosis type 4; Spinocerebellar ataxia, autosomal recessive, with axonal neuropathy 2. Last evaluated: 2026-01-20. Review status: criteria provided, single submitter. Criteria: Invitae Variant Classification Sherloc (09022015). Collection method: clinical testing. Allele origin: germline.

Mayo Clinic Laboratories, Mayo Clinic
Classification: Likely benign. Last evaluated: 2025-04-10. Review status: criteria provided, single submitter. Criteria: ACMG Guidelines, 2015. Collection method: clinical testing. Allele origin: germline. Observed: 1 variant allele.
Comment: BP4, BP7

CeGaT Center for Human Genetics Tuebingen
Classification: Likely benign. Last evaluated: 2023-04-01. Review status: criteria provided, single submitter. Criteria: CeGaT Center For Human Genetics Tuebingen Variant Classification Criteria Version 2. Collection method: clinical testing. Allele origin: germline. Affected: yes. Observed: 3 variant alleles.
Comment: SETX: BP4, BP7

Genome-Nilou Lab
Classification: Likely benign for Spinocerebellar ataxia, autosomal recessive, with axonal neuropathy 2. Last evaluated: 2023-02-08. Review status: criteria provided, single submitter. Criteria: ACMG Guidelines, 2015. Collection method: clinical testing. Allele origin: germline.

Genome-Nilou Lab
Classification: Likely benign for Amyotrophic lateral sclerosis type 4. Last evaluated: 2023-02-08. Review status: criteria provided, single submitter. Criteria: ACMG Guidelines, 2015. Collection method: clinical testing. Allele origin: germline.

Athena Diagnostics
Classification: Likely benign. Last evaluated: 2021-01-06. Review status: criteria provided, single submitter. Criteria: Athena Diagnostics criteria. Collection method: clinical testing. Allele origin: unknown.

Ambry Genetics
Classification: Likely benign for Inborn genetic diseases. Last evaluated: 2019-07-11. Review status: criteria provided, single submitter. Criteria: Ambry Variant Classification Scheme 2023. Collection method: clinical testing. Allele origin: germline.

PreventionGenetics, part of Exact Sciences
Classification: Likely benign for SETX-related condition. Last evaluated: 2024-08-13. Review status: no assertion criteria provided. Collection method: clinical testing. Allele origin: germline. Not counted in ClinVar's aggregate classification.
Comment: This variant is classified as likely benign based on ACMG/AMP sequence variant interpretation guidelines (Richards et al. 2015 PMID: 25741868, with internal and published modifications).

NM_015046.7(SETX):c.1626C>T (p.Leu542=)

Gene: SETX (senataxin; minus strand). Cytogenetic location: 9q34.13.
Variant type: single nucleotide variant.
Coding change: c.1626C>T on transcript NM_015046.7 (MANE Select); coding-DNA position 1626, C replaced by T.
Protein change: p.Leu542=; no amino-acid change (leucine 542 retained).
Molecular consequence: synonymous variant.
Genome position (GRCh38, 1-based): chr9:132,329,972, G>A on the plus strand (C>T on the coding strand, the complement: SETX is on the minus strand). VCF-style: chr9-132329972-G-A. GRCh37 (hg19) VCF-style: chr9-135205359-G-A.
Other names: p.Leu542=; c.1626C>T, p.Leu542= (NM_001351527.2, NM_001351528.2).
Identifiers: ClinVar variation 468488 (VCV000468488.50), dbSNP rs746541015, ClinGen allele CA5297740.